The following is an entry in ClinVar:

NM_007294.4(BRCA1):c.981del (p.Cys328fs)

Gene: BRCA1 (BRCA1 DNA repair associated; minus strand). Cytogenetic location: 17q21.31.
Variant type: Deletion.
Coding change: c.981del on transcript NM_007294.4 (MANE Select); coding-DNA position 981, one base deleted (A; older notation c.981delA).
Protein change: p.Cys328fs; shifts the reading frame from cysteine 328.
Molecular consequence: frameshift variant. On other transcripts: intron variant (137).
Genome position (GRCh38, 1-based): chr17:43,094,550, T deleted on the plus strand (A on the coding strand, the reverse complement: BRCA1 is on the minus strand). VCF-style (leftmost placement, unchanged base first): chr17-43094549-AT-A. GRCh37 (hg19) VCF-style: chr17-41246566-AT-A.
Other names: c.858del, p.Cys287fs (NM_001407666.1, NM_001407667.1, NM_001407668.1 and 19 more transcripts); c.855del, p.Cys286fs (NM_001407670.1, NM_001407671.1, NM_001407672.1 and 11 more transcripts); c.981del, p.Cys328fs (NM_001407684.1, NM_001407854.1, NM_001407858.1 and 30 more transcripts); c.840del, p.Cys281fs (NM_001407692.1, NM_001407694.1, NM_001407695.1 and 29 more transcripts); c.837del, p.Cys280fs (NM_001407740.1, NM_001407741.1, NM_001407742.1 and 20 more transcripts); c.768del, p.Cys257fs (NM_001407853.1, NM_001407894.1, NM_001407895.1 and 9 more transcripts); c.978del, p.Cys327fs (NM_001407860.1, NM_001407861.1, NM_001407644.1 and 22 more transcripts); c.780del, p.Cys261fs (NM_001407862.1); and 40 more; short protein forms C160fs, C200fs, C201fs, C216fs, C217fs, C239fs, C240fs, C257fs.
Identifiers: ClinVar variation 3337985 (VCV003337985.2).

ClinVar aggregate classification (germline): Pathogenic. Review status: criteria provided, single submitter (1 of 4 stars). 2 submissions from 2 submitters: Pathogenic (1). 1 of the submissions does not count toward it. Last evaluated 2026-08-19.

Conditions:
Hereditary cancer-predisposing syndrome. Also called: Neoplastic Syndromes, Hereditary; Tumor predisposition; Hereditary Cancer Syndrome; Hereditary neoplastic syndrome. Identifiers: Orphanet 140162, MedGen C0027672, MeSH D009386, MONDO:0015356.
Hereditary breast ovarian cancer syndrome. Also called: BRCA1- and BRCA2-Associated Hereditary Breast and Ovarian Cancer; Hereditary breast and ovarian cancer syndrome; Hereditary breast and ovarian cancer; Hereditary breast and ovarian cancer syndrome (HBOC); Breast and ovarian cancer; Hereditary breast and/or ovarian cancer syndrome. Identifiers: Orphanet 145, MedGen C0677776, MeSH D061325, MONDO:0003582. Disease mechanism: loss of function.

Submissions (2):

Ambry Genetics
Classification: Pathogenic for Hereditary cancer-predisposing syndrome. Last evaluated: 2026-08-19. Review status: criteria provided, single submitter. Criteria: Ambry Variant Classification Scheme 2023. Collection method: clinical testing. Allele origin: germline.
Comment: The c.981delA pathogenic mutation, located in coding exon 9 of the BRCA1 gene, results from a deletion of one nucleotide at nucleotide position 981, causing a translational frameshift with a predicted alternate stop codon (p.C328Vfs*13). This variant is considered to be rare based on population cohorts in the Genome Aggregation Database (gnomAD). This variant is expected to result in loss of function by premature protein truncation or nonsense-mediated mRNA decay. As such, this variant is interpreted as a disease-causing mutation.

Department of Medical Laboratory Technology, Erbil Technical Health and Medical College, Erbil Polytechnic University
Classification: Pathogenic for Hereditary breast ovarian cancer syndrome. Last evaluated: 2023-08-01. Review status: no assertion criteria provided. Collection method: research. Allele origin: germline. Affected: yes. Observed: 1 variant allele. Not counted in ClinVar's aggregate classification.
Comment: The c.981del (deletion of 1 bp, the 3rd base ACA to AC-), detected in the exon 10 (codon 327) of the BRCA1 gene. According to MutationTaster, the mutation is Deleterious (fs/PTC), indicateing that it is (pathogenic). According to LUMC Mutalyzer 3, the affected protien description is p.(Cys328Valfs*13). According to ClinVar, on the same location deletion of 2 bp detected (RCV000111519.11), but 1bp not found. This exact variant has not been reported on a large population database.